The following is an entry in ClinVar:

NM_001077418.3(TMEM231):c.871G>A (p.Val291Met)

Gene: TMEM231 (transmembrane protein 231; minus strand). Cytogenetic location: 16q23.1.
Variant type: single nucleotide variant.
Coding change: c.871G>A on transcript NM_001077418.3 (MANE Select); coding-DNA position 871, G replaced by A.
Protein change: p.Val291Met; replaces valine 291 with methionine.
Molecular consequence: missense variant. On other transcripts: non-coding transcript variant (1).
Genome position (GRCh38, 1-based): chr16:75,540,074, C>T on the plus strand (G>A on the coding strand, the complement: TMEM231 is on the minus strand). VCF-style: chr16-75540074-C-T. GRCh37 (hg19) VCF-style: chr16-75573972-C-T.
Other names: c.958G>A (NM_001077416.1); c.1030G>A, p.Val344Met (NM_001077416.2); short protein forms V291M, V344M.
Identifiers: ClinVar variation 1479061 (VCV001479061.11), dbSNP rs373660568, ClinGen allele CA8176003.

ClinVar aggregate classification (germline): Uncertain significance. Review status: criteria provided, multiple submitters, no conflicts (2 of 4 stars). 4 submissions from 4 submitters: Uncertain significance (4). Last evaluated 2026-01-05.

Conditions:
Inborn genetic diseases. Identifiers: MedGen C0950123, MeSH D030342.
Meckel syndrome, type 11 (MKS11). Identifiers: Orphanet 564, MedGen C3809352, MONDO:0014164, OMIM 615397.
Joubert syndrome 20 (JBTS20). Identifiers: Orphanet 475, MedGen C3554235, MONDO:0013994, OMIM 614970.

Allele frequency attached by ClinVar (database versions not stated): gnomAD 0.00003 and 0.00004; ExAC 0.00005; TOPMed 0.00006.
gnomAD v4.1: 50 of 1,613,794 alleles (0.0031%); highest among the groups gnomAD compares: East Asian, 0.018%; no homozygotes.

Submissions (4):

Labcorp Genetics (formerly Invitae), Labcorp
Classification: Uncertain significance for Joubert syndrome 20; Meckel syndrome, type 11. Last evaluated: 2026-01-05. Review status: criteria provided, single submitter. Criteria: Invitae Variant Classification Sherloc (09022015). Collection method: clinical testing. Allele origin: germline.
Comment: This sequence change replaces valine, which is neutral and non-polar, with methionine, which is neutral and non-polar, at codon 344 of the TMEM231 protein (p.Val344Met). This variant is present in population databases (rs373660568, gnomAD 0.03%). This variant has not been reported in the literature in individuals affected with TMEM231-related conditions. ClinVar contains an entry for this variant (Variation ID: 1479061). Experimental studies and prediction algorithms are not available or were not evaluated, and the functional significance of this variant is currently unknown. In summary, the available evidence is currently insufficient to determine the role of this variant in disease. Therefore, it has been classified as a Variant of Uncertain Significance.

Ambry Genetics
Classification: Uncertain significance for Inborn genetic diseases. Last evaluated: 2025-08-01. Review status: criteria provided, single submitter. Criteria: Ambry Variant Classification Scheme 2023. Collection method: clinical testing. Allele origin: germline.

Blueprint Genetics
Classification: Uncertain significance. Last evaluated: 2024-10-28. Review status: criteria provided, single submitter. Criteria: ACMG Guidelines, 2015. Collection method: clinical testing. Allele origin: germline.

Fulgent Genetics
Classification: Uncertain significance for Joubert syndrome 20; Meckel syndrome, type 11. Last evaluated: 2024-06-25. Review status: criteria provided, single submitter. Criteria: ACMG Guidelines, 2015. Collection method: clinical testing. Allele origin: germline.